The following is an entry in ClinVar:

ClinVar aggregate classification (germline): Uncertain significance. Review status: criteria provided, multiple submitters, no conflicts (2 of 4 stars). 2 submissions from 2 submitters: Uncertain significance (2). Last evaluated 2024-04-03.

Conditions:
Catecholaminergic polymorphic ventricular tachycardia 1. Also called: VENTRICULAR TACHYCARDIA, STRESS-INDUCED POLYMORPHIC 1; RYR2-Related Catecholaminergic Polymorphic Ventricular Tachycardia; VENTRICULAR TACHYCARDIA, CATECHOLAMINERGIC POLYMORPHIC, 1, WITH OR WITHOUT ATRIAL DYSFUNCTION AND/OR DILATED CARDIOMYOPATHY. Identifiers: Orphanet 3286, MedGen C1631597, MONDO:0011484, OMIM 604772.
Cardiovascular phenotype. Identifiers: MedGen CN230736.

Allele frequency attached by ClinVar (database versions not stated): gnomAD 0.00001; gnomAD exomes 0.00001; ExAC 0.00002.
gnomAD v4.1: 6 of 1,613,442 alleles (0.00037%); highest among the groups gnomAD compares: Middle Eastern, 0.016%; no homozygotes.

Submissions (2):

Ambry Genetics
Classification: Uncertain significance for Cardiovascular phenotype. Last evaluated: 2024-04-03. Review status: criteria provided, single submitter. Criteria: Ambry Variant Classification Scheme 2023. Collection method: clinical testing. Allele origin: germline.
Comment: The p.R1500C variant (also known as c.4498C>T), located in coding exon 34 of the RYR2 gene, results from a C to T substitution at nucleotide position 4498. The arginine at codon 1500 is replaced by cysteine, an amino acid with highly dissimilar properties. This amino acid position is highly conserved in available vertebrate species. In addition, this alteration is predicted to be deleterious by in silico analysis. Based on the available evidence, the clinical significance of this alteration remains unclear.

Labcorp Genetics (formerly Invitae), Labcorp
Classification: Uncertain significance for Catecholaminergic polymorphic ventricular tachycardia 1. Last evaluated: 2023-11-27. Review status: criteria provided, single submitter. Criteria: Invitae Variant Classification Sherloc (09022015). Collection method: clinical testing. Allele origin: germline.
Comment: This sequence change replaces arginine, which is basic and polar, with cysteine, which is neutral and slightly polar, at codon 1500 of the RYR2 protein (p.Arg1500Cys). The frequency data for this variant in the population databases is considered unreliable, as metrics indicate poor data quality at this position in the gnomAD database. This variant has not been reported in the literature in individuals affected with RYR2-related conditions. ClinVar contains an entry for this variant (Variation ID: 949775). Advanced modeling of protein sequence and biophysical properties (such as structural, functional, and spatial information, amino acid conservation, physicochemical variation, residue mobility, and thermodynamic stability) performed at Invitae indicates that this missense variant is not expected to disrupt RYR2 protein function with a negative predictive value of 95%. In summary, the available evidence is currently insufficient to determine the role of this variant in disease. Therefore, it has been classified as a Variant of Uncertain Significance.

NM_001035.3(RYR2):c.4498C>T (p.Arg1500Cys)

Gene: RYR2 (ryanodine receptor 2; plus strand). Cytogenetic location: 1q43.
Variant type: single nucleotide variant.
Coding change: c.4498C>T on transcript NM_001035.3 (MANE Select); coding-DNA position 4498, C replaced by T.
Protein change: p.Arg1500Cys; replaces arginine 1500 with cysteine.
Molecular consequence: missense variant.
Genome position (GRCh38, 1-based): chr1:237,595,559, C>T. VCF-style: chr1-237595559-C-T. GRCh37 (hg19) VCF-style: chr1-237758859-C-T.
Other names: short protein forms R1500C.
Identifiers: ClinVar variation 949775 (VCV000949775.48), dbSNP rs778394498, ClinGen allele CA086629.